The following is an entry in ClinVar:

ClinVar aggregate classification (germline): Benign (1 of 4 stars; one submission).

Allele frequency attached by ClinVar (database versions not stated): gnomAD exomes 0.00032 and 0.00094; ExAC 0.00110; 1000 Genomes Project 0.00260; 1000 Genomes Project 30x 0.00297; gnomAD 0.00333 and 0.00364; TOPMed 0.00390; ESP Exome Variant Server 0.00477.
gnomAD v4.1: 997 of 1,602,752 alleles (0.062%); highest among the groups gnomAD compares: African/African-American, 1.2%; 4 homozygotes.

Submission:

GeneDx
Classification: Benign. Last evaluated: 2017-05-22. Review status: criteria provided, single submitter. Criteria: GeneDx Variant Classification (06012015). Collection method: clinical testing. Allele origin: germline. Affected: yes.
Comment: This variant is considered likely benign or benign based on one or more of the following criteria: it is a conservative change, it occurs at a poorly conserved position in the protein, it is predicted to be benign by multiple in silico algorithms, and/or has population frequency not consistent with disease.

NM_172250.3(MMAA):c.-35A>T

Gene: MMAA (metabolism of cobalamin associated A; plus strand). Cytogenetic location: 4q31.21.
Variant type: single nucleotide variant.
Coding change: c.-35A>T on transcript NM_172250.3 (MANE Select); 35 bases upstream of the start codon, A replaced by T.
Molecular consequence: 5 prime UTR variant.
Genome position (GRCh38, 1-based): chr4:145,639,105, A>T. VCF-style: chr4-145639105-A-T. GRCh37 (hg19) VCF-style: chr4-146560257-A-T.
Identifiers: ClinVar variation 383060 (VCV000383060.1), dbSNP rs150259804, ClinGen allele CA3095092.
Genomic context (GRCh38, chr4:145,639,105, plus strand): 5'-AACTGGCTAACATGTTTTTCTTTCTTCTAGGGAGGTCACAATCACATTGAGCCAAAACGC[A>T]TCCAGTGTTTTCTCCAGTTACAAATAAAACGAATATGCCCATGCTGCTACCACATCCTCA-3'